The following is an entry in ClinVar:

ClinVar aggregate classification (germline): Likely benign (1 of 4 stars; one submission).

Submission:

Laboratory for Molecular Medicine, Mass General Brigham Personalized Medicine
Classification: Likely benign. Last evaluated: 2013-12-04. Review status: criteria provided, single submitter. Criteria: LMM Criteria. Collection method: clinical testing. Allele origin: germline. Observed: 1 variant allele.
Comment: Lys792Lys in exon 15 of TTN: This variant is not expected to have clinical signi ficance because it does not alter an amino acid residue and is not located withi n the splice consensus sequence. Lys792Lys in exon 15 of TTN (allele frequency = n/a)

NM_001267550.2(TTN):c.2376G>A (p.Lys792=)

Gene: TTN (titin; minus strand). Cytogenetic location: 2q31.2.
Variant type: single nucleotide variant.
Coding change: c.2376G>A on transcript NM_001267550.2 (MANE Select); coding-DNA position 2376, G replaced by A.
Protein change: p.Lys792=; no amino-acid change (lysine 792 retained).
Molecular consequence: synonymous variant.
Genome position (GRCh38, 1-based): chr2:178,785,737, C>T on the plus strand (G>A on the coding strand, the complement: TTN is on the minus strand). VCF-style: chr2-178785737-C-T. GRCh37 (hg19) VCF-style: chr2-179650464-C-T.
Other names: c.2376G>A, p.Lys792= (NM_133378.4, NM_001256850.1, NM_133379.5); c.2238G>A, p.Lys746= (NM_003319.4, NM_133432.3, NM_133437.4).
Identifiers: ClinVar variation 179414 (VCV000179414.5), dbSNP rs727504854, ClinGen allele CA184374.